The following is an entry in ClinVar:

NM_003482.4(KMT2D):c.15680_15693dup (p.Ile5232fs)

Gene: KMT2D (lysine methyltransferase 2D; minus strand). Cytogenetic location: 12q13.12.
Variant type: Duplication.
Coding change: c.15680_15693dup on transcript NM_003482.4 (MANE Select); coding-DNA positions 15680 to 15693, 14 bases duplicated (GCTATCGCTGTTCT).
Protein change: p.Ile5232fs; shifts the reading frame from isoleucine 5232.
Molecular consequence: frameshift variant.
Genome position (GRCh38, 1-based): chr12:49,026,273-49,026,286, AGAACAGCGATAGC duplicated on the plus strand (GCTATCGCTGTTCT on the coding strand, the reverse complement: KMT2D is on the minus strand); duplicating any 14 consecutive bases within chr12:49,026,273-49,026,288 gives the same sequence; the c. name uses the placement nearest the transcript's 3' end. VCF-style (leftmost placement, unchanged base first): chr12-49026272-T-TAGAACAGCGATAGC. GRCh37 (hg19) VCF-style: chr12-49420055-T-TAGAACAGCGATAGC.
Other names: short protein forms I5232fs.
Identifiers: ClinVar variation 3764561 (VCV003764561.1).

ClinVar aggregate classification (germline): Pathogenic (1 of 4 stars; one submission).

Conditions:
Kabuki syndrome 1 (KABUK1). Also called: KMT2D-Related Kabuki Syndrome. Identifiers: Orphanet 2322, MedGen CN030661, MONDO:0007843, OMIM 147920.

Submission:

Daryl Scott Lab, Baylor College of Medicine
Classification: Pathogenic for Kabuki syndrome 1. Last evaluated: 2024-01-01. Review status: criteria provided, single submitter. Criteria: ACMG Guidelines, 2015. Collection method: clinical testing. Allele origin: de novo. Affected: yes. Observed: 1 heterozygote.
Comment: PVS1, PS2, PM2